The following is an entry in ClinVar:

NM_004714.3(DYRK1B):c.53A>G (p.Glu18Gly)

Gene: DYRK1B (dual specificity tyrosine phosphorylation regulated kinase 1B; minus strand). Cytogenetic location: 19q13.2.
Variant type: single nucleotide variant.
Coding change: c.53A>G on transcript NM_004714.3 (MANE Select); coding-DNA position 53, A replaced by G.
Protein change: p.Glu18Gly; replaces glutamic acid 18 with glycine.
Molecular consequence: missense variant.
Genome position (GRCh38, 1-based): chr19:39,831,815, T>C on the plus strand (A>G on the coding strand, the complement: DYRK1B is on the minus strand). VCF-style: chr19-39831815-T-C. GRCh37 (hg19) VCF-style: chr19-40322455-T-C.
Other names: c.53A>G, p.Glu18Gly (NM_006483.3, NM_006484.3); short protein forms E18G.
Identifiers: ClinVar variation 4980936 (VCV004980936.1).

ClinVar aggregate classification (germline): Uncertain significance (1 of 4 stars; one submission).

Conditions:
DYRK1B-related disorder. Also called: DYRK1B-related condition.

Submission:

PreventionGenetics, part of Exact Sciences
Classification: Uncertain significance for DYRK1B-related condition. Last evaluated: 2025-02-26. Review status: criteria provided, single submitter. Criteria: ACMG Guidelines, 2015. Collection method: clinical testing. Allele origin: germline.
Comment: The DYRK1B c.53A>G variant is predicted to result in the amino acid substitution p.Glu18Gly. To our knowledge, this variant has not been reported in the literature or in a large population database (gnomAD), indicating this variant is rare. At this time, the clinical significance of this variant is uncertain due to the absence of conclusive functional and genetic evidence.